The following is an entry in ClinVar:

ClinVar aggregate classification (germline): Benign/Likely benign. Review status: criteria provided, multiple submitters, no conflicts (2 of 4 stars). 5 submissions from 5 submitters: Benign (1); Likely benign (4). Last evaluated 2026-07-30.

Conditions:
Hereditary pheochromocytoma and paraganglioma. Also called: Hereditary Paraganglioma-Pheochromocytoma Syndromes; Hereditary paragangliomas and pheochromocytomas; Hereditary pheochromocytoma-paraganglioma. Identifiers: Orphanet 29072, MedGen C4274332, MONDO:0017366.
Hereditary cancer-predisposing syndrome. Also called: Hereditary Cancer Syndrome; Hereditary neoplastic syndrome; Neoplastic Syndromes, Hereditary; Tumor predisposition. Identifiers: Orphanet 140162, MedGen C0027672, MeSH D009386, MONDO:0015356.

Allele frequency attached by ClinVar (database versions not stated): TOPMed 0.00002; gnomAD exomes 0.00005 and 0.00006; gnomAD 0.00001; ExAC 0.00004.
gnomAD v4.1: 86 of 1,613,814 alleles (0.0053%); highest among the groups gnomAD compares: Non-Finnish European, 0.007%; no homozygotes.

Submissions (5):

Myriad Genetics, Inc.
Classification: Benign for Hereditary pheochromocytoma and paraganglioma. Last evaluated: 2026-07-30. Review status: criteria provided, single submitter. Criteria: Myriad Autosomal Dominant, Autosomal Recessive and X-Linked Classification Criteria (2023). Collection method: clinical testing. Allele origin: unknown.
Comment: This variant is considered benign. This variant is a silent/synonymous amino acid change and it is not expected to impact splicing.

Labcorp Genetics (formerly Invitae), Labcorp
Classification: Likely benign for Hereditary pheochromocytoma and paraganglioma. Last evaluated: 2026-01-31. Review status: criteria provided, single submitter. Criteria: Invitae Variant Classification Sherloc (09022015). Collection method: clinical testing. Allele origin: germline.

Blueprint Genetics
Classification: Likely benign. Last evaluated: 2024-10-24. Review status: criteria provided, single submitter. Criteria: ACMG Guidelines, 2015. Collection method: clinical testing. Allele origin: germline.

Quest Diagnostics Nichols Institute San Juan Capistrano
Classification: Likely benign. Last evaluated: 2023-08-03. Review status: criteria provided, single submitter. Criteria: Quest Diagnostics criteria. Collection method: clinical testing. Allele origin: unknown.

Ambry Genetics
Classification: Likely benign for Hereditary cancer-predisposing syndrome. Last evaluated: 2015-03-13. Review status: criteria provided, single submitter. Criteria: Ambry Variant Classification Scheme 2023. Collection method: clinical testing. Allele origin: germline.

NM_017849.4(TMEM127):c.666G>A (p.Ala222=)

Gene: TMEM127 (transmembrane protein 127; minus strand). Cytogenetic location: 2q11.2.
Variant type: single nucleotide variant.
Coding change: c.666G>A on transcript NM_017849.4 (MANE Select); coding-DNA position 666, G replaced by A.
Protein change: p.Ala222=; no amino-acid change (alanine 222 retained).
Molecular consequence: synonymous variant.
Genome position (GRCh38, 1-based): chr2:96,253,859, C>T on the plus strand (G>A on the coding strand, the complement: TMEM127 is on the minus strand). VCF-style: chr2-96253859-C-T. GRCh37 (hg19) VCF-style: chr2-96919597-C-T.
Other names: c.666G>A, p.Ala222= (NM_001193304.3).
Identifiers: ClinVar variation 413237 (VCV000413237.19), dbSNP rs772481029, ClinGen allele CA1777259.